The following is an entry in ClinVar:

NM_000742.4(CHRNA2):c.1432G>A (p.Asp478Asn)

Gene: CHRNA2 (cholinergic receptor nicotinic alpha 2 subunit; minus strand). Cytogenetic location: 8p21.2.
Variant type: single nucleotide variant.
Coding change: c.1432G>A on transcript NM_000742.4 (MANE Select); coding-DNA position 1432, G replaced by A.
Protein change: p.Asp478Asn; replaces aspartic acid 478 with asparagine.
Molecular consequence: missense variant.
Genome position (GRCh38, 1-based): chr8:27,463,011, C>T on the plus strand (G>A on the coding strand, the complement: CHRNA2 is on the minus strand). VCF-style: chr8-27463011-C-T. GRCh37 (hg19) VCF-style: chr8-27320528-C-T.
Other names: c.1387G>A, p.Asp463Asn (NM_001282455.2); c.955G>A, p.Asp319Asn (NM_001347705.2, NM_001347706.2); c.838G>A, p.Asp280Asn (NM_001347707.2, NM_001347708.2); short protein forms D478N, D319N, D280N, D463N.
Identifiers: ClinVar variation 566326 (VCV000566326.32), dbSNP rs141072985, ClinGen allele CA4689460.
Genomic context (GRCh38, chr8:27,463,011, plus strand): 5'-GCTGGCGCCTCTCCCAACCCCAACGCACCGAAGAGTCAGCATCCTCAGACCGCAGGTGGT[C>T]GGCAATGTAGTGCACACCTTCCAGTGCCTTCTGCATGTGGGGTGATAGCAGCAGCTCACC-3'
Protein context (NP_000733.2, residues 468-488): KALEGVHYIA[Asp478Asn]HLRSEDADSS

ClinVar aggregate classification (germline): Benign/Likely benign. Review status: criteria provided, multiple submitters, no conflicts (2 of 4 stars). 3 submissions from 3 submitters: Benign (1); Likely benign (2). Last evaluated 2025-09-07.

Conditions:
Familial sleep-related hypermotor epilepsy. Also called: Autosomal Dominant Sleep-Related Hypermotor (Hyperkinetic) Epilepsy. Identifiers: Orphanet 98784, MedGen C3696898, MONDO:0000030.

Allele frequency attached by ClinVar (database versions not stated): gnomAD 0.00006 and 0.00007; gnomAD exomes 0.00006; ExAC 0.00007; TOPMed 0.00007; ESP Exome Variant Server 0.00015; 1000 Genomes Project 30x 0.00031; 1000 Genomes Project 0.00040.
gnomAD v4.1: 73 of 1,614,050 alleles (0.0045%); highest among the groups gnomAD compares: Middle Eastern, 0.016%; no homozygotes.

Submissions (3):

Labcorp Genetics (formerly Invitae), Labcorp
Classification: Benign. Last evaluated: 2025-09-07. Review status: criteria provided, single submitter. Criteria: Invitae Variant Classification Sherloc (09022015). Collection method: clinical testing. Allele origin: germline.

CeGaT Center for Human Genetics Tuebingen
Classification: Likely benign. Last evaluated: 2022-12-01. Review status: criteria provided, single submitter. Criteria: CeGaT Center For Human Genetics Tuebingen Variant Classification Criteria Version 2. Collection method: clinical testing. Allele origin: germline. Affected: yes. Observed: 1 variant allele.
Comment: CHRNA2: BP4

Blueprint Genetics
Classification: Likely benign. Last evaluated: 2019-10-08. Review status: criteria provided, single submitter. Criteria: ACMG Guidelines, 2015. Collection method: clinical testing. Allele origin: germline.